The following is an entry in ClinVar:

ClinVar aggregate classification (germline): Uncertain significance (1 of 4 stars; one submission).

Submission:

Labcorp Genetics (formerly Invitae), Labcorp
Classification: Uncertain significance. Last evaluated: 2021-11-16. Review status: criteria provided, single submitter. Criteria: Invitae Variant Classification Sherloc (09022015). Collection method: clinical testing. Allele origin: germline.
Comment: In summary, the available evidence is currently insufficient to determine the role of this variant in disease. Therefore, it has been classified as a Variant of Uncertain Significance. Algorithms developed to predict the effect of missense changes on protein structure and function are either unavailable or do not agree on the potential impact of this missense change (SIFT: "Deleterious"; PolyPhen-2: "Benign"; Align-GVGD: "Class C0"). This variant has not been reported in the literature in individuals affected with PRPF8-related conditions. This variant is not present in population databases (gnomAD no frequency). This sequence change replaces glutamine, which is neutral and polar, with arginine, which is basic and polar, at codon 1399 of the PRPF8 protein (p.Gln1399Arg).

NM_006445.4(PRPF8):c.4196A>G (p.Gln1399Arg)

Gene: PRPF8 (pre-mRNA processing factor 8; minus strand). Cytogenetic location: 17p13.3.
Variant type: single nucleotide variant.
Coding change: c.4196A>G on transcript NM_006445.4 (MANE Select); coding-DNA position 4196, A replaced by G.
Protein change: p.Gln1399Arg; replaces glutamine 1399 with arginine.
Molecular consequence: missense variant.
Genome position (GRCh38, 1-based): chr17:1,661,617, T>C on the plus strand (A>G on the coding strand, the complement: PRPF8 is on the minus strand). VCF-style: chr17-1661617-T-C. GRCh37 (hg19) VCF-style: chr17-1564911-T-C.
Other names: short protein forms Q1399R.
Identifiers: ClinVar variation 1426408 (VCV001426408.6), dbSNP rs2151116638, ClinGen allele CA397577548.